The following is an entry in ClinVar:

ClinVar aggregate classification (germline): Uncertain significance (1 of 4 stars; one submission).

Submission:

Labcorp Genetics (formerly Invitae), Labcorp
Classification: Uncertain significance. Last evaluated: 2022-12-18. Review status: criteria provided, single submitter. Criteria: Invitae Variant Classification Sherloc (09022015). Collection method: clinical testing. Allele origin: germline.
Comment: This sequence change replaces glutamine, which is neutral and polar, with arginine, which is basic and polar, at codon 965 of the KCNH1 protein (p.Gln965Arg). This variant is not present in population databases (gnomAD no frequency). This variant has not been reported in the literature in individuals affected with KCNH1-related conditions. Advanced modeling of protein sequence and biophysical properties (such as structural, functional, and spatial information, amino acid conservation, physicochemical variation, residue mobility, and thermodynamic stability) performed at Invitae indicates that this missense variant is not expected to disrupt KCNH1 protein function. In summary, the available evidence is currently insufficient to determine the role of this variant in disease. Therefore, it has been classified as a Variant of Uncertain Significance.

NM_172362.3(KCNH1):c.2894A>G (p.Gln965Arg)

Gene: KCNH1 (potassium voltage-gated channel subfamily H member 1; minus strand). Cytogenetic location: 1q32.2.
Variant type: single nucleotide variant.
Coding change: c.2894A>G on transcript NM_172362.3 (MANE Select); coding-DNA position 2894, A replaced by G.
Protein change: p.Gln965Arg; replaces glutamine 965 with arginine.
Molecular consequence: missense variant.
Genome position (GRCh38, 1-based): chr1:210,683,357, T>C on the plus strand (A>G on the coding strand, the complement: KCNH1 is on the minus strand). VCF-style: chr1-210683357-T-C. GRCh37 (hg19) VCF-style: chr1-210856699-T-C.
Other names: c.2813A>G, p.Gln938Arg (NM_002238.4); short protein forms Q965R, Q938R.
Identifiers: ClinVar variation 2822063 (VCV002822063.3), dbSNP rs2546368921, ClinGen allele CA344870196.